The following is an entry in ClinVar:

ClinVar aggregate classification (germline): Pathogenic (1 of 4 stars; one submission).

Submission:

GeneDx
Classification: Pathogenic. Last evaluated: 2021-11-15. Review status: criteria provided, single submitter. Criteria: GeneDx Variant Classification Process June 2021. Collection method: clinical testing. Allele origin: germline. Affected: yes.
Comment: Not observed at significant frequency in large population cohorts (gnomAD); In silico analysis supports that this missense variant has a deleterious effect on protein structure/function; Has not been previously published as pathogenic or benign to our knowledge

NM_006940.6(SOX5):c.1748A>G (p.Asn583Ser)

Gene: SOX5 (SRY-box transcription factor 5; minus strand). Cytogenetic location: 12p12.1.
Variant type: single nucleotide variant.
Coding change: c.1748A>G on transcript NM_006940.6 (MANE Select); coding-DNA position 1748, A replaced by G.
Protein change: p.Asn583Ser; replaces asparagine 583 with serine.
Molecular consequence: missense variant.
Genome position (GRCh38, 1-based): chr12:23,543,234, T>C on the plus strand (A>G on the coding strand, the complement: SOX5 is on the minus strand). VCF-style: chr12-23543234-T-C. GRCh37 (hg19) VCF-style: chr12-23696168-T-C.
Other names: c.1385A>G, p.Asn462Ser (NM_001261414.3); c.1718A>G, p.Asn573Ser (NM_001261415.3); c.1643A>G, p.Asn548Ser (NM_001330785.2); c.1709A>G, p.Asn570Ser (NM_152989.5); c.590A>G, p.Asn197Ser (NM_178010.4); short protein forms N197S, N462S, N548S, N570S, N573S, N583S.
Identifiers: ClinVar variation 1526379 (VCV001526379.2), dbSNP rs2136020836, ClinGen allele CA384319729.